The following is an entry in ClinVar:

ClinVar aggregate classification (germline): Uncertain significance (1 of 4 stars; one submission).

gnomAD v4.1: 1 of 1,614,120 alleles (0.000062%); highest among the groups gnomAD compares: South Asian, 0.0011%; no homozygotes.

Submission:

Labcorp Genetics (formerly Invitae), Labcorp
Classification: Uncertain significance. Last evaluated: 2022-06-03. Review status: criteria provided, single submitter. Criteria: Invitae Variant Classification Sherloc (09022015). Collection method: clinical testing. Allele origin: germline.
Comment: This sequence change replaces proline, which is neutral and non-polar, with leucine, which is neutral and non-polar, at codon 847 of the AASS protein (p.Pro847Leu). This variant is not present in population databases (gnomAD no frequency). This variant has not been reported in the literature in individuals affected with AASS-related conditions. ClinVar contains an entry for this variant (Variation ID: 1439060). Algorithms developed to predict the effect of missense changes on protein structure and function (SIFT, PolyPhen-2, Align-GVGD) all suggest that this variant is likely to be disruptive. In summary, the available evidence is currently insufficient to determine the role of this variant in disease. Therefore, it has been classified as a Variant of Uncertain Significance.

NM_005763.4(AASS):c.2540C>T (p.Pro847Leu)

Gene: AASS (aminoadipate-semialdehyde synthase; minus strand). Cytogenetic location: 7q31.32.
Variant type: single nucleotide variant.
Coding change: c.2540C>T on transcript NM_005763.4 (MANE Select); coding-DNA position 2540, C replaced by T.
Protein change: p.Pro847Leu; replaces proline 847 with leucine.
Molecular consequence: missense variant.
Genome position (GRCh38, 1-based): chr7:122,077,960, G>A on the plus strand (C>T on the coding strand, the complement: AASS is on the minus strand). VCF-style: chr7-122077960-G-A. GRCh37 (hg19) VCF-style: chr7-121718014-G-A.
Other names: short protein forms P847L.
Identifiers: ClinVar variation 1439060 (VCV001439060.3), dbSNP rs2150506235, ClinGen allele CA369029651.